The following is an entry in ClinVar:

ClinVar aggregate classification (germline): Uncertain significance (1 of 4 stars; one submission).

Conditions:
Leukodystrophy and acquired microcephaly with or without dystonia;. Also called: Leukodystrophy and acquired microcephaly with or without dystonia. Identifiers: MedGen C4225213, MONDO:0014766, OMIM 616763.

gnomAD v4.1: 7 of 1,614,080 alleles (0.00043%); highest among the groups gnomAD compares: South Asian, 0.0055%; no homozygotes.

Submission:

Diagnostics Services (NGS), CSIR - Centre For Cellular And Molecular Biology
Classification: Uncertain significance for Leukodystrophy and acquired microcephaly with or without dystonia;. Last evaluated: 2026-02-19. Review status: criteria provided, single submitter. Criteria: ACMG Guidelines, 2015. Collection method: clinical testing. Allele origin: germline. Affected: yes. Observed: 1 variant allele, 1 heterozygote.
Comment: The c.3455T>C variant is not present in publicly available population databases like EVS, Indian Exome Database or our internal database. The variant is present in 1000 Genomes and gnomAD at low frequencies. This variant has not been published in the literature for PLEKHG2-related conditions nor reported to clinical databases like Human Genome Mutation Database (HGMD), ClinVar or OMIM in any affected individuals. In-silico pathogenicity prediction programs like SIFT, Polyphen-2, MutationTaster2, CADD, etc predicted this variant to be likely deleterious, however these predictions were not confirmed by published functional studies. This variant harbours another heterozygous variant (c.3994C>T) in this gene.

NM_022835.3(PLEKHG2):c.3455T>C (p.Leu1152Pro)

Gene: PLEKHG2 (pleckstrin homology and RhoGEF domain containing G2; plus strand). Cytogenetic location: 19q13.2.
Variant type: single nucleotide variant.
Coding change: c.3455T>C on transcript NM_022835.3 (MANE Select); coding-DNA position 3455, T replaced by C.
Protein change: p.Leu1152Pro; replaces leucine 1152 with proline.
Molecular consequence: missense variant. On other transcripts: intron variant (1).
Genome position (GRCh38, 1-based): chr19:39,424,588, T>C. VCF-style: chr19-39424588-T-C. GRCh37 (hg19) VCF-style: chr19-39915228-T-C.
Other names: c.3278T>C, p.Leu1093Pro (NM_001351693.2); c.1678-650T>C (NM_001351694.2); short protein forms L1093P, L1152P.
Identifiers: ClinVar variation 4849697 (VCV004849697.1).